The following is an entry in ClinVar:

ClinVar aggregate classification (germline): Likely benign (1 of 4 stars; one submission).

Submission:

CeGaT Center for Human Genetics Tuebingen
Classification: Likely benign. Last evaluated: 2023-05-01. Review status: criteria provided, single submitter. Criteria: CeGaT Center For Human Genetics Tuebingen Variant Classification Criteria Version 2. Collection method: clinical testing. Allele origin: germline. Affected: yes. Observed: 1 variant allele.
Comment: POC1B: PM2:Supporting, BP4, BP7

NM_172240.3(POC1B):c.582T>C (p.Phe194=)

Genes: POC1B (POC1 centriolar protein B; minus strand), POC1B-DUSP6 (POC1B-DUSP6 readthrough; minus strand). Cytogenetic location: 12q21.33.
Variant type: single nucleotide variant.
Coding change: c.582T>C on transcript NM_172240.3 (MANE Select); coding-DNA position 582, T replaced by C.
Protein change: p.Phe194=; no amino-acid change (phenylalanine 194 retained).
Molecular consequence: synonymous variant. On other transcripts: non-coding transcript variant (2).
Genome position (GRCh38, 1-based): chr12:89,471,708, A>G on the plus strand (T>C on the coding strand, the complement: POC1B is on the minus strand). VCF-style: chr12-89471708-A-G. GRCh37 (hg19) VCF-style: chr12-89865485-A-G.
Other names: c.456T>C, p.Phe152= (NM_001199777.2).
Identifiers: ClinVar variation 2570842 (VCV002570842.27), dbSNP rs2540444812, ClinGen allele CA481053861.
Genomic context (GRCh38, chr12:89,471,708, plus strand): 5'-ATCCCAGACTTTCACAGTTTGATCAGAACCTGCTGAAGCTATGCATGTACCACTAGGGTT[A>G]AAGTCCACAAAATTTGCAAATCTAGGAGGAAAGAATAAGATGACCTAATATTTCAATTTC-3'
Protein context (NP_758440.1, residues 184-204): DSVGFANFVD[Phe194=]NPSGTCIASA